The following is an entry in ClinVar:

Single allele

Genes: BAIAP2L2 (BAR/IMD domain containing adaptor protein 2 like 2; minus strand), PLA2G6 (phospholipase A2 group VI; minus strand). Cytogenetic location: 22q13.1.
Variant type: Deletion.
Identifiers: ClinVar variation 4056471 (VCV004056471.1).

ClinVar aggregate classification (germline): Pathogenic (1 of 4 stars; one submission).

Conditions:
PLA2G6-associated neurodegeneration (PLAN). Also called: phospholipase A2-associated neurodegeneration. Identifiers: Orphanet 329303, MedGen CN204472, MONDO:0017998.

Submission:

Broad Center for Mendelian Genomics, Broad Institute of MIT and Harvard
Classification: Pathogenic for PLA2G6-associated neurodegeneration. Last evaluated: 2025-06-06. Review status: criteria provided, single submitter. Criteria: ACMG/ClinGen CNV Guidelines, 2019. Collection method: curation. Allele origin: unknown. Inheritance: Autosomal recessive inheritance.
Comment: The deletion of exons 13-17 of PLA2G6 was identified, in the homozygous state, in an individual with infantile neuroaxonal dystrophy (PMID: 16783378), and has been identified in 0.009% (1/11742) of Admixed American chromosomes by the Genome Aggregation Database (gnomAD). Although this variant has been seen in the general population in a heterozygous state, its frequency is low enough to be consistent with a recessive carrier frequency. This intragenic deletion of the last 5 exons in PLA2G6 is predicted to lead to NMD, and this alteration is then predicted to lead to an absent protein. Loss of function of PLA2G6 is an established disease mechanism in autosomal recessive infantile neuroaxonal dystrophy. In summary, this variant meets criteria to be classified as pathogenic for autosomal recessive infantile neuroaxonal dystrophy. The ACMG/ClinGen evidence codes and points used in this curation are as follows: 1A: 0 points, 2D-4: 0.9 points, 3A: 0 points, 4E: 0.15 points, 5G: 0 points; Total: 1.05 points; Riggs 2020 (PMID: 31690835).

Literature cited by the submitters: PubMed 16783378.